The following is an entry in ClinVar:

NM_020822.3(KCNT1):c.1585C>G (p.Leu529Val)

Gene: KCNT1 (potassium sodium-activated channel subfamily T member 1; plus strand). Cytogenetic location: 9q34.3.
Variant type: single nucleotide variant.
Coding change: c.1585C>G on transcript NM_020822.3 (MANE Select); coding-DNA position 1585, C replaced by G.
Protein change: p.Leu529Val; replaces leucine 529 with valine.
Molecular consequence: missense variant.
Genome position (GRCh38, 1-based): chr9:135,770,021, C>G. VCF-style: chr9-135770021-C-G. GRCh37 (hg19) VCF-style: chr9-138661867-C-G.
Other names: c.1450C>G, p.Leu484Val (NM_001272003.2); short protein forms L484V, L529V.
Identifiers: ClinVar variation 2940827 (VCV002940827.3), dbSNP rs1161171006, ClinGen allele CA375505988.

ClinVar aggregate classification (germline): Uncertain significance (1 of 4 stars; one submission).

Conditions:
Autosomal dominant nocturnal frontal lobe epilepsy 5. Also called: Epilepsy, nocturnal frontal lobe, 5; CILIARY DYSKINESIA, PRIMARY, 28, WITHOUT SITUS INVERSUS; CILIARY DYSKINESIA, PRIMARY, 28, WITH SITUS INVERSUS; KCNT1-Related Epilepsy. Identifiers: Orphanet 98784, MedGen C3554306, MONDO:0014002, OMIM 615005.
Developmental and epileptic encephalopathy, 14 (DEE14). Also called: Early infantile epileptic encephalopathy 14. Identifiers: Orphanet 293181, MedGen C3554195, MONDO:0013989, OMIM 614959.

Allele frequency attached by ClinVar (database versions not stated): gnomAD exomes below 0.00001.
gnomAD v4.1: 2 of 1,554,528 alleles (0.00013%); highest among the groups gnomAD compares: Non-Finnish European, 0.00017%; no homozygotes.

Submission:

Labcorp Genetics (formerly Invitae), Labcorp
Classification: Uncertain significance for Autosomal dominant nocturnal frontal lobe epilepsy 5; Developmental and epileptic encephalopathy, 14. Last evaluated: 2023-12-24. Review status: criteria provided, single submitter. Criteria: Invitae Variant Classification Sherloc (09022015). Collection method: clinical testing. Allele origin: germline.
Comment: This sequence change replaces leucine, which is neutral and non-polar, with valine, which is neutral and non-polar, at codon 529 of the KCNT1 protein (p.Leu529Val). This variant is not present in population databases (gnomAD no frequency). This variant has not been reported in the literature in individuals affected with KCNT1-related conditions. Advanced modeling of protein sequence and biophysical properties (such as structural, functional, and spatial information, amino acid conservation, physicochemical variation, residue mobility, and thermodynamic stability) performed at Invitae indicates that this missense variant is not expected to disrupt KCNT1 protein function with a negative predictive value of 80%. In summary, the available evidence is currently insufficient to determine the role of this variant in disease. Therefore, it has been classified as a Variant of Uncertain Significance.